The following is an entry in ClinVar:

ClinVar aggregate classification (germline): Uncertain significance (1 of 4 stars; one submission).

Submission:

Ambry Genetics
Classification: Uncertain significance. Last evaluated: 2023-11-23. Review status: criteria provided, single submitter. Criteria: Ambry Variant Classification Scheme 2023. Collection method: clinical testing. Allele origin: germline.
Comment: The p.G976W variant (also known as c.2926G>T), located in coding exon 16 of the POLQ gene, results from a G to T substitution at nucleotide position 2926. The glycine at codon 976 is replaced by tryptophan, an amino acid with highly dissimilar properties. This amino acid position is conserved. In addition, this alteration is predicted to be tolerated by in silico analysis. Since supporting evidence is limited at this time, the clinical significance of this alteration remains unclear.

NM_199420.4(POLQ):c.2926G>T (p.Gly976Trp)

Gene: POLQ (DNA polymerase theta; minus strand). Cytogenetic location: 3q13.33.
Variant type: single nucleotide variant.
Coding change: c.2926G>T on transcript NM_199420.4 (MANE Select); coding-DNA position 2926, G replaced by T.
Protein change: p.Gly976Trp; replaces glycine 976 with tryptophan.
Molecular consequence: missense variant.
Genome position (GRCh38, 1-based): chr3:121,490,005, C>A on the plus strand (G>T on the coding strand, the complement: POLQ is on the minus strand). VCF-style: chr3-121490005-C-A. GRCh37 (hg19) VCF-style: chr3-121208852-C-A.
Other names: short protein forms G976W.
Identifiers: ClinVar variation 3229905 (VCV003229905.1), dbSNP rs2546788020, ClinGen allele CA354103896.